The following is an entry in ClinVar:

ClinVar aggregate classification (germline): Uncertain significance (1 of 4 stars; one submission).

gnomAD v4.1: 6 of 1,613,024 alleles (0.00037%); highest among the groups gnomAD compares: South Asian, 0.0055%; no homozygotes.

Submission:

Labcorp Genetics (formerly Invitae), Labcorp
Classification: Uncertain significance. Last evaluated: 2025-09-10. Review status: criteria provided, single submitter. Criteria: Invitae Variant Classification Sherloc (09022015). Collection method: clinical testing. Allele origin: germline.
Comment: This sequence change replaces aspartic acid, which is acidic and polar, with glycine, which is neutral and non-polar, at codon 34 of the CREB3L3 protein (p.Asp34Gly). This variant is present in population databases (no rsID available, gnomAD 0.003%). This variant has not been reported in the literature in individuals affected with CREB3L3-related conditions. An algorithm developed to predict the effect of missense changes on protein structure and function (PolyPhen-2) suggests that this variant is likely to be disruptive. In summary, the available evidence is currently insufficient to determine the role of this variant in disease. Therefore, it has been classified as a Variant of Uncertain Significance.

NM_032607.3(CREB3L3):c.101A>G (p.Asp34Gly)

Gene: CREB3L3 (cAMP responsive element binding protein 3 like 3; plus strand). Cytogenetic location: 19p13.3.
Variant type: single nucleotide variant.
Coding change: c.101A>G on transcript NM_032607.3 (MANE Select); coding-DNA position 101, A replaced by G.
Protein change: p.Asp34Gly; replaces aspartic acid 34 with glycine.
Molecular consequence: missense variant.
Genome position (GRCh38, 1-based): chr19:4,154,972, A>G. VCF-style: chr19-4154972-A-G. GRCh37 (hg19) VCF-style: chr19-4154969-A-G.
Other names: c.101A>G, p.Asp34Gly (NM_001271997.2, NM_001271995.2, NM_001271996.2); short protein forms D34G.
Identifiers: ClinVar variation 4768057 (VCV004768057.1).